The following is an entry in ClinVar:

NM_001854.4(COL11A1):c.127A>C (p.Lys43Gln)

Gene: COL11A1 (collagen type XI alpha 1 chain; minus strand). Cytogenetic location: 1p21.1.
Variant type: single nucleotide variant.
Coding change: c.127A>C on transcript NM_001854.4 (MANE Select); coding-DNA position 127, A replaced by C.
Protein change: p.Lys43Gln; replaces lysine 43 with glutamine.
Molecular consequence: missense variant. On other transcripts: non-coding transcript variant (1).
Genome position (GRCh38, 1-based): chr1:103,082,952, T>G on the plus strand (A>C on the coding strand, the complement: COL11A1 is on the minus strand). VCF-style: chr1-103082952-T-G. GRCh37 (hg19) VCF-style: chr1-103548508-T-G.
Other names: c.127A>C, p.Lys43Gln (NM_001190709.2, NM_080629.3, NM_080630.4); short protein forms K43Q.
Identifiers: ClinVar variation 3366284 (VCV003366284.1).

ClinVar aggregate classification (germline): Uncertain significance (1 of 4 stars; one submission).

Submission:

GeneDx
Classification: Uncertain significance. Last evaluated: 2023-10-22. Review status: criteria provided, single submitter. Criteria: GeneDx Variant Classification Process June 2021. Collection method: clinical testing. Allele origin: germline. Affected: yes.
Comment: Not observed at significant frequency in large population cohorts (gnomAD); In silico analysis supports that this missense variant has a deleterious effect on protein structure/function; Has not been previously published as pathogenic or benign to our knowledge